The following is an entry in ClinVar:

ClinVar aggregate classification (germline): Uncertain significance (1 of 4 stars; one submission).

Allele frequency attached by ClinVar (database versions not stated): TOPMed below 0.00001; gnomAD 0.00001.

Submission:

GeneDx
Classification: Uncertain significance. Last evaluated: 2021-06-25. Review status: criteria provided, single submitter. Criteria: GeneDx Variant Classification Process June 2021. Collection method: clinical testing. Allele origin: germline. Affected: yes.
Comment: Not observed at significant frequency in large population cohorts (Lek et al., 2016); In silico analysis supports that this missense variant has a deleterious effect on protein structure/function; Has not been previously published as pathogenic or benign to our knowledge; This variant is associated with the following publications: (PMID: 27535533)

NM_001038603.3(MARVELD2):c.1213A>G (p.Arg405Gly)

Gene: MARVELD2 (MARVEL domain containing 2; plus strand). Cytogenetic location: 5q13.2.
Variant type: single nucleotide variant.
Coding change: c.1213A>G on transcript NM_001038603.3 (MANE Select); coding-DNA position 1213, A replaced by G.
Protein change: p.Arg405Gly; replaces arginine 405 with glycine.
Molecular consequence: missense variant.
Genome position (GRCh38, 1-based): chr5:69,432,557, A>G. VCF-style: chr5-69432557-A-G. GRCh37 (hg19) VCF-style: chr5-68728384-A-G.
Other names: c.1177A>G, p.Arg393Gly (NM_001244734.2); short protein forms R393G, R405G.
Identifiers: ClinVar variation 1329615 (VCV001329615.2), dbSNP rs1766996745, ClinGen allele CA359926827.